The following is an entry in ClinVar:

NM_001204077.2(UBE4A):c.1072T>A (p.Ser358Thr)

Gene: UBE4A (ubiquitination factor E4A; plus strand). Cytogenetic location: 11q23.3.
Variant type: single nucleotide variant.
Coding change: c.1072T>A on transcript NM_001204077.2 (MANE Select); coding-DNA position 1072, T replaced by A.
Protein change: p.Ser358Thr; replaces serine 358 with threonine.
Molecular consequence: missense variant.
Genome position (GRCh38, 1-based): chr11:118,373,641, T>A. VCF-style: chr11-118373641-T-A. GRCh37 (hg19) VCF-style: chr11-118244356-T-A.
Other names: c.1093T>A, p.Ser365Thr (NM_004788.4); short protein forms S365T, S358T.
Identifiers: ClinVar variation 3185615 (VCV003185615.3), dbSNP rs1252028588, ClinGen allele CA382787594.

ClinVar aggregate classification (germline): Uncertain significance. Review status: criteria provided, multiple submitters, no conflicts (2 of 4 stars). 2 submissions from 2 submitters: Uncertain significance (2). Last evaluated 2026-04-26.

Conditions:
Inborn genetic diseases. Identifiers: MedGen C0950123, MeSH D030342.

Allele frequency attached by ClinVar (database versions not stated): gnomAD exomes 0.00001.
gnomAD v4.1: 10 of 1,614,170 alleles (0.00062%); highest among the groups gnomAD compares: Non-Finnish European, 0.00085%; no homozygotes.

Submissions (2):

GeneDx
Classification: Uncertain significance. Last evaluated: 2026-04-26. Review status: criteria provided, single submitter. Criteria: GeneDx Variant Classification Process June 2021. Collection method: clinical testing. Allele origin: germline.
Comment: Not observed at significant frequency in large population cohorts (gnomAD); In silico analysis suggests that this missense variant does not alter protein structure/function; Has not been previously published as pathogenic or benign to our knowledge

Ambry Genetics
Classification: Uncertain significance for Inborn genetic diseases. Last evaluated: 2023-12-26. Review status: criteria provided, single submitter. Criteria: Ambry Variant Classification Scheme 2023. Collection method: clinical testing. Allele origin: germline.